The following is an entry in ClinVar:

NM_017866.6(TMEM70):c.*611T>G

Gene: TMEM70 (transmembrane protein 70; plus strand). Cytogenetic location: 8q21.11.
Variant type: single nucleotide variant.
Coding change: c.*611T>G on transcript NM_017866.6 (MANE Select); 611 bases downstream of the stop codon, T replaced by G.
Molecular consequence: 3 prime UTR variant. On other transcripts: non-coding transcript variant (1).
Genome position (GRCh38, 1-based): chr8:73,982,232, T>G. VCF-style: chr8-73982232-T-G. GRCh37 (hg19) VCF-style: chr8-74894467-T-G.
Other names: c.*1084T>G (NM_001040613.3).
Identifiers: ClinVar variation 363705 (VCV000363705.6), dbSNP rs77116422, ClinGen allele CA4784196.
Genomic context (GRCh38, chr8:73,982,232, plus strand): 5'-AATTCACCGAATTCATATCACTCTAACGAGTTGCAACGTAAAATCCCTGGATAAGGTGTG[T>G]GCTGACTTGATCTGAGGAGCAAAGGAAAAGAATCAGTGAAAGGACCAGTTTGAATGCCTA-3'

ClinVar aggregate classification (germline): Benign. Review status: criteria provided, multiple submitters, no conflicts (2 of 4 stars). 2 submissions from 2 submitters: Benign (2). Last evaluated 2018-01-13.

Conditions:
Mitochondrial complex V (ATP synthase) deficiency, nuclear type 2. Also called: Nuclear-Encoded ATPase Deficiency, TMEM70-Related; ENCEPHALOCARDIOMYOPATHY, MITOCHONDRIAL, NEONATAL, DUE TO ATP SYNTHASE DEFICIENCY; MITOCHONDRIAL COMPLEX V (ATP SYNTHASE) DEFICIENCY, TMEM70 TYPE. Identifiers: Orphanet 1194, MedGen C3279699, MONDO:0013546, OMIM 614052.

Allele frequency attached by ClinVar (database versions not stated): gnomAD 0.02044 and 0.02056; ExAC 0.02428; gnomAD exomes 0.02448 and 0.01948; 1000 Genomes Project 0.01178; 1000 Genomes Project 30x 0.01202; TOPMed 0.01765.
gnomAD v4.1: 13,448 of 576,704 alleles (2.3%); highest among the groups gnomAD compares: Non-Finnish European, 3.2%; 246 homozygotes.

Submissions (2):

Illumina Laboratory Services, Illumina
Classification: Benign for Mitochondrial complex V (ATP synthase) deficiency, nuclear type 2. Last evaluated: 2018-01-13. Review status: criteria provided, single submitter. Criteria: ICSL Variant Classification Criteria 13 December 2019. Collection method: clinical testing. Allele origin: germline.
Comment: This variant was observed in the ICSL laboratory as part of a predisposition screen in an ostensibly healthy population. It had not been previously curated by ICSL or reported in the Human Gene Mutation Database (HGMD: prior to June 1st, 2018), and was therefore a candidate for classification through an automated scoring system. Utilizing variant allele frequency, disease prevalence and penetrance estimates, and inheritance mode, an automated score was calculated to assess if this variant is too frequent to cause the disease. Based on the score and internal cut-off values, a variant classified as benign is not then subjected to further curation. The score for this variant resulted in a classification of benign for this disease.

Breakthrough Genomics
Classification: Benign. Review status: criteria provided, single submitter. Criteria: ACMG Guidelines, 2015. Collection method: not provided. Allele origin: germline. Inheritance: Autosomal recessive inheritance. Affected: yes.